The following is an entry in ClinVar:

ClinVar aggregate classification (germline): Uncertain significance (1 of 4 stars; one submission).

Conditions:
OTOG-related disorder. Also called: OTOG-related condition.

gnomAD v4.1: 5 of 1,550,906 alleles (0.00032%); highest among the groups gnomAD compares: African/African-American, 0.0055%; no homozygotes.

Submission:

PreventionGenetics, part of Exact Sciences
Classification: Uncertain significance for OTOG-related condition. Last evaluated: 2026-08-23. Review status: criteria provided, single submitter. Criteria: ACMG Guidelines, 2015. Collection method: clinical testing. Allele origin: germline.
Comment: The OTOG c.5564A>C variant is predicted to result in the amino acid substitution p.Gln1855Pro. To our knowledge, this variant has not been reported in the literature. This variant is reported in 0.011% of alleles in individuals of African descent in gnomAD. At this time, the clinical significance of this variant is uncertain due to the absence of conclusive functional and genetic evidence.

NM_001292063.2(OTOG):c.5528A>C (p.Gln1843Pro)

Gene: OTOG (otogelin; plus strand). Cytogenetic location: 11p15.1.
Variant type: single nucleotide variant.
Coding change: c.5528A>C on transcript NM_001292063.2 (MANE Select); coding-DNA position 5528, A replaced by C.
Protein change: p.Gln1843Pro; replaces glutamine 1843 with proline.
Molecular consequence: missense variant.
Genome position (GRCh38, 1-based): chr11:17,610,828, A>C. VCF-style: chr11-17610828-A-C. GRCh37 (hg19) VCF-style: chr11-17632375-A-C.
Other names: c.5564A>C, p.Gln1855Pro (NM_001277269.2); short protein forms Q1855P, Q1843P.
Identifiers: ClinVar variation 4980740 (VCV004980740.1).